The following is an entry in ClinVar:

ClinVar aggregate classification (germline): Likely benign (1 of 4 stars; one submission).

Allele frequency attached by ClinVar (database versions not stated): ExAC 0.00086; gnomAD 0.00243; ESP Exome Variant Server 0.00262; TOPMed 0.00271; 1000 Genomes Project 0.00319; 1000 Genomes Project 30x 0.00328.
gnomAD v4.1: 721 of 1,612,928 alleles (0.045%); highest among the groups gnomAD compares: African/African-American, 0.89%; 4 homozygotes.

Submission:

CeGaT Center for Human Genetics Tuebingen
Classification: Likely benign. Last evaluated: 2023-01-01. Review status: criteria provided, single submitter. Criteria: CeGaT Center For Human Genetics Tuebingen Variant Classification Criteria Version 2. Collection method: clinical testing. Allele origin: germline. Affected: yes. Observed: 1 variant allele.
Comment: TBC1D2B: BP4, BS2

NM_144572.2(TBC1D2B):c.1704G>A (p.Leu568=)

Gene: TBC1D2B (TBC1 domain family member 2B; minus strand). Cytogenetic location: 15q25.1.
Variant type: single nucleotide variant.
Coding change: c.1704G>A on transcript NM_144572.2 (MANE Select); coding-DNA position 1704, G replaced by A.
Protein change: p.Leu568=; no amino-acid change (leucine 568 retained).
Molecular consequence: synonymous variant.
Genome position (GRCh38, 1-based): chr15:78,016,617, C>T on the plus strand (G>A on the coding strand, the complement: TBC1D2B is on the minus strand). VCF-style: chr15-78016617-C-T. GRCh37 (hg19) VCF-style: chr15-78308959-C-T.
Other names: c.1704G>A, p.Leu568= (NM_001387142.1, NM_001387144.1, NM_015079.6); c.1701G>A, p.Leu567= (NM_001387143.1); c.1368G>A, p.Leu456= (NM_001387145.1, NM_001387146.1, NM_001387147.1 and 1 more transcripts); c.1254G>A, p.Leu418= (NM_001387149.1).
Identifiers: ClinVar variation 2645604 (VCV002645604.24), dbSNP rs61740957, ClinGen allele CA7679377.